The following is an entry in ClinVar:

NM_052874.5(STX1B):c.340_354+123del

Genes: STX1B (syntaxin 1B; minus strand), LOC130058887 (ATAC-STARR-seq lymphoblastoid silent region 7407; plus strand). Cytogenetic location: 16p11.2.
Variant type: Deletion.
Coding change: c.340_354+123del on transcript NM_052874.5 (MANE Select); coding-DNA position 340 through 123 bases into the intron after coding-DNA position 354, 138 bases deleted.
Molecular consequence: splice donor variant.
Genome position (GRCh38, 1-based): chr16:30,997,379-30,997,516, 138 bases deleted. GRCh37 (hg19): chr16:31,008,702-31,008,839.
Identifiers: ClinVar variation 2808202 (VCV002808202.3), dbSNP rs2543960538, ClinGen allele CA2739266727.

ClinVar aggregate classification (germline): Pathogenic (1 of 4 stars; one submission).

Conditions:
Generalized epilepsy with febrile seizures plus, type 9 (GEFSP9). Also called: GEFS+, TYPE 9. Identifiers: Orphanet 36387, MedGen C4015395, MONDO:0014517, OMIM 616172.

Submission:

Labcorp Genetics (formerly Invitae), Labcorp
Classification: Pathogenic for Generalized epilepsy with febrile seizures plus, type 9. Last evaluated: 2022-10-10. Review status: criteria provided, single submitter. Criteria: Invitae Variant Classification Sherloc (09022015). Collection method: clinical testing. Allele origin: germline.
Comment: For these reasons, this variant has been classified as Pathogenic. This variant disrupts a region of the STX1B protein in which other variant(s) (p.Arg115Pro) have been determined to be pathogenic (Invitae). This suggests that this is a clinically significant region of the protein, and that variants that disrupt it are likely to be disease-causing. Algorithms developed to predict the effect of sequence changes on RNA splicing suggest that this variant may disrupt the consensus splice site. This variant has not been reported in the literature in individuals affected with STX1B-related conditions. This variant is not present in population databases (gnomAD no frequency). This variant results in the deletion of part of exon 5 (c.340_354+123del) of the STX1B gene. It is expected to disrupt RNA splicing. Variants that disrupt the donor or acceptor splice site typically lead to a loss of protein function (PMID: 16199547), and loss-of-function variants in STX1B are known to be pathogenic (PMID: 25362483).

Literature cited by the submitters: PubMed 16199547; PubMed 25362483.